The following is an entry in ClinVar:

NM_001318852.2(MAPK8IP3):c.871G>A (p.Glu291Lys)

Gene: MAPK8IP3 (mitogen-activated protein kinase 8 interacting protein 3; plus strand). Cytogenetic location: 16p13.3.
Variant type: single nucleotide variant.
Coding change: c.871G>A on transcript NM_001318852.2 (MANE Select); coding-DNA position 871, G replaced by A.
Protein change: p.Glu291Lys; replaces glutamic acid 291 with lysine.
Molecular consequence: missense variant.
Genome position (GRCh38, 1-based): chr16:1,747,152, G>A. VCF-style: chr16-1747152-G-A. GRCh37 (hg19) VCF-style: chr16-1797153-G-A.
Other names: c.868G>A, p.Glu290Lys (NM_001040439.2, NM_015133.5); short protein forms E290K, E291K.
Identifiers: ClinVar variation 3343765 (VCV003343765.1).

ClinVar aggregate classification (germline): Uncertain significance (1 of 4 stars; one submission).

Submission:

GeneDx
Classification: Uncertain significance. Last evaluated: 2023-05-19. Review status: criteria provided, single submitter. Criteria: GeneDx Variant Classification Process June 2021. Collection method: clinical testing. Allele origin: germline. Affected: yes.
Comment: Not observed at significant frequency in large population cohorts (gnomAD); In silico analysis supports that this missense variant does not alter protein structure/function; Has not been previously published as pathogenic or benign to our knowledge